The following is an entry in ClinVar:

NM_182961.4(SYNE1):c.12061T>C (p.Cys4021Arg)

Gene: SYNE1 (spectrin repeat containing nuclear envelope protein 1; minus strand). Cytogenetic location: 6q25.2.
Variant type: single nucleotide variant.
Coding change: c.12061T>C on transcript NM_182961.4 (MANE Select); coding-DNA position 12061, T replaced by C.
Protein change: p.Cys4021Arg; replaces cysteine 4021 with arginine.
Molecular consequence: missense variant.
Genome position (GRCh38, 1-based): chr6:152,347,076, A>G on the plus strand (T>C on the coding strand, the complement: SYNE1 is on the minus strand). VCF-style: chr6-152347076-A-G. GRCh37 (hg19) VCF-style: chr6-152668211-A-G.
Other names: p.Cys3950Arg; c.11848T>C, p.Cys3950Arg (NM_033071.5); short protein forms C3950R, C4021R.
Identifiers: ClinVar variation 262155 (VCV000262155.41), dbSNP rs111449472, ClinGen allele CA4056522.
Genomic context (GRCh38, chr6:152,347,076, plus strand): 5'-CCCATAATTCCTTGTCACTGTGGAATGTTCTGGGGGCACTCACCCTCTGAGCTGTGCTGC[A>G]GATCGCTGAGTAGCTGTCCTTTGTGCCCTGCAGATGAGCATGCACGTTTTGTTTAAGTTT-3'
Protein context (NP_892006.3, residues 4011-4031): QGTKDSYSAI[Cys4021Arg]STAQRMYQSL

ClinVar aggregate classification (germline): Benign/Likely benign. Review status: criteria provided, multiple submitters, no conflicts (2 of 4 stars). 13 submissions from 12 submitters: Benign (7); Likely benign (1). 5 of the submissions do not count toward it. Last evaluated 2026-07-01.

Conditions:
SYNE1-related disorder. Also called: SYNE1-related disorders; SYNE1-related disease; SYNE1-related condition.
Autosomal recessive ataxia, Beauce type. Also called: ATAXIA, RECESSIVE, OF BEAUCE; SYNE1-Related Autosomal Recessive Cerebellar Ataxia; Spinocerebellar ataxia, autosomal recessive 8; SYNE1 Deficiency. Identifiers: Orphanet 88644, MedGen C1853116, MONDO:0012549, OMIM 610743.
Emery-Dreifuss muscular dystrophy 4, autosomal dominant (EDMD4). Also called: EMERY-DREIFUSS MUSCULAR DYSTROPHY 4 WITH VARIABLE FEATURES. Identifiers: Orphanet 261, MedGen C2751807, MONDO:0013071, OMIM 612998.

Allele frequency attached by ClinVar (database versions not stated): 1000 Genomes Project 0.00539; 1000 Genomes Project 30x 0.00625; TOPMed 0.00829; gnomAD 0.00921 and 0.00935; gnomAD exomes 0.01016; ESP Exome Variant Server 0.01123; ExAC 0.01130.
gnomAD v4.1: 20,154 of 1,614,208 alleles (1.2%); highest among the groups gnomAD compares: Non-Finnish European, 1.5%; 162 homozygotes.

Submissions (13):

CeGaT Center for Human Genetics Tuebingen
Classification: Benign. Last evaluated: 2026-07-01. Review status: criteria provided, single submitter. Criteria: CeGaT Center For Human Genetics Tuebingen Variant Classification Criteria Version 2. Collection method: clinical testing. Allele origin: germline. Affected: yes. Observed: 28 variant alleles.
Comment: SYNE1: BS1, BS2

Labcorp Genetics (formerly Invitae), Labcorp
Classification: Benign for Emery-Dreifuss muscular dystrophy 4, autosomal dominant; Autosomal recessive ataxia, Beauce type. Last evaluated: 2026-02-01. Review status: criteria provided, single submitter. Criteria: Invitae Variant Classification Sherloc (09022015). Collection method: clinical testing. Allele origin: germline.

Athena Diagnostics
Classification: Benign. Last evaluated: 2024-11-18. Review status: criteria provided, single submitter. Criteria: Athena Diagnostics Criteria. Collection method: clinical testing. Allele origin: unknown.

Mayo Clinic Laboratories, Mayo Clinic
Classification: Benign. Last evaluated: 2018-01-16. Review status: criteria provided, single submitter. Criteria: ACMG Guidelines, 2015. Collection method: clinical testing. Allele origin: germline. Observed: 25 variant alleles.

Illumina Laboratory Services, Illumina
Classification: Benign for Autosomal recessive ataxia, Beauce type. Last evaluated: 2018-01-13. Review status: criteria provided, single submitter. Criteria: ICSL Variant Classification Criteria 13 December 2019. Collection method: clinical testing. Allele origin: germline.
Comment: This variant was observed in the ICSL laboratory as part of a predisposition screen in an ostensibly healthy population. It had not been previously curated by ICSL or reported in the Human Gene Mutation Database (HGMD: prior to June 1st, 2018), and was therefore a candidate for classification through an automated scoring system. Utilizing variant allele frequency, disease prevalence and penetrance estimates, and inheritance mode, an automated score was calculated to assess if this variant is too frequent to cause the disease. Based on the score and internal cut-off values, a variant classified as benign is not then subjected to further curation. The score for this variant resulted in a classification of benign for this disease.

Illumina Laboratory Services, Illumina
Classification: Benign for Emery-Dreifuss muscular dystrophy 4, autosomal dominant. Last evaluated: 2018-01-13. Review status: criteria provided, single submitter. Criteria: ICSL Variant Classification Criteria 13 December 2019. Collection method: clinical testing. Allele origin: germline.
Comment: the same text as in the submission from Illumina Laboratory Services, Illumina above.

GeneDx
Classification: Benign. Last evaluated: 2016-03-21. Review status: criteria provided, single submitter. Criteria: GeneDx Variant Classification (06012015). Collection method: clinical testing. Allele origin: germline. Affected: yes.
Comment: This variant is considered likely benign or benign based on one or more of the following criteria: it is a conservative change, it occurs at a poorly conserved position in the protein, it is predicted to be benign by multiple in silico algorithms, and/or has population frequency not consistent with disease.

Breakthrough Genomics
Classification: Likely benign. Review status: criteria provided, single submitter. Criteria: ACMG Guidelines, 2015. Collection method: not provided. Allele origin: germline. Inheritance: Autosomal recessive inheritance. Affected: yes.

PreventionGenetics, part of Exact Sciences
Classification: Benign for SYNE1-related condition. Last evaluated: 2019-04-09. Review status: no assertion criteria provided. Collection method: clinical testing. Allele origin: germline. Not counted in ClinVar's aggregate classification.
Comment: This variant is classified as benign based on ACMG/AMP sequence variant interpretation guidelines (Richards et al. 2015 PMID: 25741868, with internal and published modifications).

Clinical Genetics, Academic Medical Center
Classification: Benign. Review status: no assertion criteria provided. Collection method: clinical testing. Allele origin: germline. Affected: yes. Study: VKGL Data-share Consensus. Not counted in ClinVar's aggregate classification.

Diagnostic Laboratory, Department of Genetics, University Medical Center Groningen
Classification: Benign. Review status: no assertion criteria provided. Collection method: clinical testing. Allele origin: germline. Affected: yes. Study: VKGL Data-share Consensus. Not counted in ClinVar's aggregate classification.

Genome Diagnostics Laboratory, University Medical Center Utrecht
Classification: Likely benign. Review status: no assertion criteria provided. Collection method: clinical testing. Allele origin: germline. Affected: yes. Study: VKGL Data-share Consensus. Not counted in ClinVar's aggregate classification.

Laboratory of Diagnostic Genome Analysis, Leiden University Medical Center (LUMC)
Classification: Likely benign. Review status: no assertion criteria provided. Collection method: clinical testing. Allele origin: germline. Affected: yes. Study: VKGL Data-share Consensus. Not counted in ClinVar's aggregate classification.

Literature cited by the submitters: PubMed 22287014 (cited by Athena Diagnostics).